The following is an entry in ClinVar:

NM_005866.4(SIGMAR1):c.14_20dup (p.Arg8fs)

Genes: SIGMAR1 (sigma receptor chaperone 1; minus strand), LOC130001681 (ATAC-STARR-seq lymphoblastoid silent region 19853; plus strand). Cytogenetic location: 9p13.3.
Variant type: Microsatellite.
Coding change: c.14_20dup on transcript NM_005866.4 (MANE Select); coding-DNA positions 14 to 20, 7 bases duplicated (TGGGCCG; older notation c.14_20dupTGGGCCG).
Protein change: p.Arg8fs; shifts the reading frame from arginine 8.
Molecular consequence: frameshift variant. On other transcripts: 5 prime UTR variant (1), non-coding transcript variant (1).
Genome position (GRCh38, 1-based): chr9:34,637,678-34,637,684, CGGCCCA duplicated on the plus strand (TGGGCCG on the coding strand, the reverse complement: SIGMAR1 is on the minus strand); duplicating any 7 consecutive bases within chr9:34,637,678-34,637,692 gives the same sequence; the c. name uses the placement nearest the transcript's 3' end. VCF-style (leftmost placement, unchanged base first): chr9-34637677-C-CCGGCCCA. GRCh37 (hg19) VCF-style: chr9-34637674-C-CCGGCCCA.
Other names: c.14_20dup7 (NM_005866.3); c.14_20dup, p.Arg8fs (NM_001282205.2, NM_001282207.2, NM_001282208.2 and 2 more transcripts); c.-247TGGGCCG[3] (NM_001282206.2); short protein forms R8fs.
Identifiers: ClinVar variation 985499 (VCV000985499.10), dbSNP rs1820936580, ClinGen allele CA1845644375.
Genomic context (GRCh38, chr9:34,637,677, plus strand): 5'-CCAGACGACCTGGGTCAGCACCGCTGCGACAGCCAGGAGCAGCGCGGCCCACGCCCACCG[C>CCGGCCCA]CGGCCCACGGCCCACTGCATCCCGGCGGGCGGCCTGGCACGGCGCAGCTCAGGAGGGAGC-3'

ClinVar aggregate classification (germline): Pathogenic/Likely pathogenic. Review status: criteria provided, multiple submitters, no conflicts (2 of 4 stars). 3 submissions from 3 submitters: Pathogenic (2); Likely pathogenic (1). Last evaluated 2025-12-17.

Conditions:
Inborn genetic diseases. Identifiers: MedGen C0950123, MeSH D030342.
SIGMAR1-related disorder. Also called: SIGMAR1-related condition.
Autosomal recessive distal spinal muscular atrophy 2. Also called: NEURONOPATHY, DISTAL HEREDITARY MOTOR, JERASH TYPE; NEUROPATHY, DISTAL HEREDITARY MOTOR, JERASH TYPE; SPINAL MUSCULAR ATROPHY, JERASH TYPE; NEUROPATHY, DISTAL HEREDITARY MOTOR, AUTOSOMAL RECESSIVE 2; Hereditary motor neuropathy, Jerash type; Motor neuropathy, distal, Jerash type. Identifiers: Orphanet 139552, MedGen C1854023, MONDO:0011585, OMIM 605726.
Amyotrophic lateral sclerosis type 16. Also called: AMYOTROPHIC LATERAL SCLEROSIS 16, JUVENILE. Identifiers: Orphanet 300605, MedGen C3280587, MONDO:0013715, OMIM 614373.

Submissions (3):

PreventionGenetics, part of Exact Sciences
Classification: Likely pathogenic for SIGMAR1-related condition. Last evaluated: 2025-12-17. Review status: criteria provided, single submitter. Criteria: ACMG Guidelines, 2015. Collection method: clinical testing. Allele origin: germline.
Comment: The SIGMAR1 c.14_20dup7 variant is predicted to result in a frameshift and premature protein termination (p.Arg8Glyfs*118). To our knowledge, this variant has not been reported in the literature or in a large population database (gnomAD), indicating this variant is rare. Frameshift variants in SIGMAR1 are expected to be pathogenic and other loss-of-function variants in exon 1 have been previously reported (Hartley et al. 2018. PubMed ID: 28708278; Maddirevula et al. 2020. PubMed ID: 33456446). This variant is interpreted as likely pathogenic.

Labcorp Genetics (formerly Invitae), Labcorp
Classification: Pathogenic for Autosomal recessive distal spinal muscular atrophy 2; Amyotrophic lateral sclerosis type 16. Last evaluated: 2020-12-10. Review status: criteria provided, single submitter. Criteria: Invitae Variant Classification Sherloc (09022015). Collection method: clinical testing. Allele origin: germline.
Comment: The frequency data for this variant in the population databases is considered unreliable, as metrics indicate insufficient coverage at this position in the ExAC database. This sequence change creates a premature translational stop signal (p.Arg8Glyfs*118) in the SIGMAR1 gene. It is expected to result in an absent or disrupted protein product. Loss-of-function variants in SIGMAR1 are known to be pathogenic (PMID: 26078401, 27402882, 28708278, 29115704). This variant has not been reported in the literature in individuals with SIGMAR1-related conditions. For these reasons, this variant has been classified as Pathogenic.

Ambry Genetics
Classification: Pathogenic for Inborn genetic diseases. Last evaluated: 2019-11-01. Review status: criteria provided, single submitter. Criteria: Ambry exome assertion method (8-5-2015). Collection method: clinical testing. Allele origin: germline. Affected: yes. Observed: 1 variant allele.

Literature cited by the submitters: PubMed 26078401 (cited by Labcorp Genetics (formerly Invitae), Labcorp); PubMed 27402882 (cited by Labcorp Genetics (formerly Invitae), Labcorp); PubMed 28708278 (cited by Labcorp Genetics (formerly Invitae), Labcorp); PubMed 29115704 (cited by Labcorp Genetics (formerly Invitae), Labcorp).